The following is an entry in ClinVar:

NM_022726.4(ELOVL4):c.188del (p.Gly63fs)

Gene: ELOVL4 (ELOVL fatty acid elongase 4; minus strand). Cytogenetic location: 6q14.1.
Variant type: Deletion.
Coding change: c.188del on transcript NM_022726.4 (MANE Select); coding-DNA position 188, one base deleted (G; older notation c.188delG).
Protein change: p.Gly63fs; shifts the reading frame from glycine 63.
Molecular consequence: frameshift variant.
Genome position (GRCh38, 1-based): chr6:79,926,294, C deleted on the plus strand (G on the coding strand, the reverse complement: ELOVL4 is on the minus strand); the first of 3 consecutive C bases (chr6:79,926,294-79,926,296); deleting any one gives the same sequence. VCF-style (leftmost placement, unchanged base first): chr6-79926293-AC-A. GRCh37 (hg19) VCF-style: chr6-80636010-AC-A.
Other names: short protein forms G63fs.
Identifiers: ClinVar variation 2703751 (VCV002703751.3), dbSNP rs2532980755, ClinGen allele CA2697553587.
Genomic context (GRCh38, chr6:79,926,293, plus strand): 5'-ATTATAGATAATGAGCACTAGACGCATCTGAAAAGGTTCTCGGTCCTTCATCCATTTTGG[AC>A]CCAGCCACACAAACAGGAGATAAAGAGTGCTTATACTTAGTGTAGGCCAAGGAGACTGCA-3'

ClinVar aggregate classification (germline): Pathogenic (1 of 4 stars; one submission).

Submission:

Labcorp Genetics (formerly Invitae), Labcorp
Classification: Pathogenic. Last evaluated: 2023-12-17. Review status: criteria provided, single submitter. Criteria: Invitae Variant Classification Sherloc (09022015). Collection method: clinical testing. Allele origin: germline.
Comment: This sequence change creates a premature translational stop signal (p.Gly63Valfs*5) in the ELOVL4 gene. It is expected to result in an absent or disrupted protein product. Loss-of-function variants in ELOVL4 are known to be pathogenic (PMID: 24571530). This variant is not present in population databases (gnomAD no frequency). This variant has not been reported in the literature in individuals affected with ELOVL4-related conditions. For these reasons, this variant has been classified as Pathogenic.

Literature cited by the submitters: PubMed 24571530.